The following is an entry in ClinVar:

ClinVar aggregate classification (germline): Uncertain significance. Review status: criteria provided, multiple submitters, no conflicts (2 of 4 stars). 3 submissions from 3 submitters: Uncertain significance (3). Last evaluated 2026-08-06.

Conditions:
Inborn genetic diseases. Identifiers: MedGen C0950123, MeSH D030342.
Spinocerebellar ataxia type 40. Identifiers: Orphanet 423275, MedGen C4518336, MONDO:0014475, OMIM 616053.

Allele frequency attached by ClinVar (database versions not stated): gnomAD 0.00001; TOPMed 0.00002.
gnomAD v4.1: 2 of 1,604,482 alleles (0.00012%); highest among the groups gnomAD compares: Admixed American, 0.0017%; no homozygotes.

Submissions (3):

OLLIN Analises Genomicas, OLLIN
Classification: Uncertain significance for Spinocerebellar ataxia type 40. Last evaluated: 2026-08-06. Review status: criteria provided, single submitter. Criteria: ACMG Guidelines 2015 PMID 25741868. Collection method: clinical testing. Allele origin: germline. Inheritance: Autosomal dominant inheritance.
Comment: This missense variant, located in exon 21 (of 30), has been reported in ClinVar (accession VCV001947788.3) and in gnomAD with an allele frequency of 0.00012%. However, to our knowledge, it has not been reported in the scientific literature. In silico analysis predicts that this variant has a tolerated effect. According to the currently available evidence, this variant has been classified as uncertain significance (PM2_P, BP4_M).

Ambry Genetics
Classification: Uncertain significance for Inborn genetic diseases. Last evaluated: 2023-12-28. Review status: criteria provided, single submitter. Criteria: Ambry Variant Classification Scheme 2023. Collection method: clinical testing. Allele origin: germline.

Labcorp Genetics (formerly Invitae), Labcorp
Classification: Uncertain significance. Last evaluated: 2022-08-10. Review status: criteria provided, single submitter. Criteria: Invitae Variant Classification Sherloc (09022015). Collection method: clinical testing. Allele origin: germline.
Comment: This sequence change replaces valine, which is neutral and non-polar, with aspartic acid, which is acidic and polar, at codon 1229 of the CCDC88C protein (p.Val1229Asp). This variant is not present in population databases (gnomAD no frequency). This variant has not been reported in the literature in individuals affected with CCDC88C-related conditions. Algorithms developed to predict the effect of missense changes on protein structure and function (SIFT, PolyPhen-2, Align-GVGD) all suggest that this variant is likely to be tolerated. In summary, the available evidence is currently insufficient to determine the role of this variant in disease. Therefore, it has been classified as a Variant of Uncertain Significance.

NM_001080414.4(CCDC88C):c.3686T>A (p.Val1229Asp)

Gene: CCDC88C (coiled-coil and HOOK domain protein 88C; minus strand). Cytogenetic location: 14q32.11.
Variant type: single nucleotide variant.
Coding change: c.3686T>A on transcript NM_001080414.4 (MANE Select); coding-DNA position 3686, T replaced by A.
Protein change: p.Val1229Asp; replaces valine 1229 with aspartic acid.
Molecular consequence: missense variant.
Genome position (GRCh38, 1-based): chr14:91,300,020, A>T on the plus strand (T>A on the coding strand, the complement: CCDC88C is on the minus strand). VCF-style: chr14-91300020-A-T. GRCh37 (hg19) VCF-style: chr14-91766364-A-T.
Other names: c.3686T>A (NM_001080414.3); short protein forms V1229D.
Identifiers: ClinVar variation 1947788 (VCV001947788.4), dbSNP rs1027087042, ClinGen allele CA265552106.